The following is an entry in ClinVar:

NM_005359.6(SMAD4):c.1149A>G (p.Ile383Met)

Gene: SMAD4 (SMAD family member 4; plus strand). Cytogenetic location: 18q21.2.
Variant type: single nucleotide variant.
Coding change: c.1149A>G on transcript NM_005359.6 (MANE Select); coding-DNA position 1149, A replaced by G.
Protein change: p.Ile383Met; replaces isoleucine 383 with methionine.
Molecular consequence: missense variant.
Genome position (GRCh38, 1-based): chr18:51,067,028, A>G. VCF-style: chr18-51067028-A-G. GRCh37 (hg19) VCF-style: chr18-48593398-A-G.
Other names: short protein forms I383M.
Identifiers: ClinVar variation 1066208 (VCV001066208.9), dbSNP rs2144451738, ClinGen allele CA402464729.

ClinVar aggregate classification (germline): Likely pathogenic (1 of 4 stars; one submission).

Conditions:
Juvenile polyposis syndrome (JPS). Identifiers: Orphanet 2929, MedGen C0345893, MONDO:0017380, OMIM 174900.

Submission:

Labcorp Genetics (formerly Invitae), Labcorp
Classification: Likely pathogenic for Juvenile polyposis syndrome. Last evaluated: 2020-10-21. Review status: criteria provided, single submitter. Criteria: Invitae Variant Classification Sherloc (09022015). Collection method: clinical testing. Allele origin: germline.
Comment: This sequence change replaces isoleucine with methionine at codon 383 of the SMAD4 protein (p.Ile383Met). The isoleucine residue is highly conserved and there is a small physicochemical difference between isoleucine and methionine. This variant is not present in population databases (ExAC no frequency). This variant has not been reported in the literature in individuals with SMAD4-related conditions. Advanced modeling of protein sequence and biophysical properties (such as structural, functional, and spatial information, amino acid conservation, physicochemical variation, residue mobility, and thermodynamic stability) performed at Invitae indicates that this missense variant is expected to disrupt SMAD4 protein function. This variant disrupts the p.Ile383 amino acid residue in SMAD4. Other variant(s) that disrupt this residue have been determined to be pathogenic (PMID: 30251589, Invitae). This suggests that this residue is clinically significant, and that variants that disrupt this residue are likely to be disease-causing. In summary, the currently available evidence indicates that the variant is pathogenic, but additional data are needed to prove that conclusively. Therefore, this variant has been classified as Likely Pathogenic.

Literature cited by the submitters: PubMed 30251589.